The following is an entry in ClinVar:

NM_001267550.2(TTN):c.80920G>A (p.Gly26974Arg)

Genes: TTN (titin; minus strand), TTN-AS1 (TTN antisense RNA 1; plus strand). Cytogenetic location: 2q31.2.
Variant type: single nucleotide variant.
Coding change: c.80920G>A on transcript NM_001267550.2 (MANE Select); coding-DNA position 80920, G replaced by A.
Protein change: p.Gly26974Arg; replaces glycine 26974 with arginine.
Molecular consequence: missense variant.
Genome position (GRCh38, 1-based): chr2:178,565,212, C>T on the plus strand (G>A on the coding strand, the complement: TTN is on the minus strand). VCF-style: chr2-178565212-C-T. GRCh37 (hg19) VCF-style: chr2-179429939-C-T.
Other names: c.75997G>A, p.Gly25333Arg (NM_001256850.1); c.53725G>A, p.Gly17909Arg (NM_003319.4); c.73216G>A, p.Gly24406Arg (NM_133378.4); c.54100G>A, p.Gly18034Arg (NM_133432.3); c.54301G>A, p.Gly18101Arg (NM_133437.4); short protein forms G25333R, G17909R, G18034R, G18101R, G24406R, G26974R.
Identifiers: ClinVar variation 1747110 (VCV001747110.2), dbSNP rs1217303445, ClinGen allele CA349585153.

ClinVar aggregate classification (germline): Uncertain significance (1 of 4 stars; one submission).

Conditions:
Cardiovascular phenotype. Identifiers: MedGen CN230736.

Allele frequency attached by ClinVar (database versions not stated): gnomAD exomes below 0.00001; gnomAD 0.00001; TOPMed 0.00002.

Submission:

Ambry Genetics
Classification: Uncertain significance for Cardiovascular phenotype. Last evaluated: 2018-06-01. Review status: criteria provided, single submitter. Criteria: Ambry Variant Classification Scheme 2023. Collection method: clinical testing. Allele origin: germline.
Comment: The p.G17909R variant (also known as c.53725G>A), located in coding exon 153 of the TTN gene, results from a G to A substitution at nucleotide position 53725. The glycine at codon 17909 is replaced by arginine, an amino acid with dissimilar properties. This amino acid position is highly conserved in available vertebrate species. In addition, the in silico prediction for this alteration is inconclusive. Since supporting evidence is limited at this time, the clinical significance of this alteration remains unclear.